The following is an entry in ClinVar:

ClinVar aggregate classification (germline): Pathogenic (1 of 4 stars; one submission).

Conditions:
Wilson disease (WND). Also called: Wilson's disease. Identifiers: Orphanet 905, MedGen C0019202, MONDO:0010200, OMIM 277900. Disease mechanism: loss of function.

Submission:

Labcorp Genetics (formerly Invitae), Labcorp
Classification: Pathogenic for Wilson disease. Last evaluated: 2021-05-17. Review status: criteria provided, single submitter. Criteria: Invitae Variant Classification Sherloc (09022015). Collection method: clinical testing. Allele origin: germline.
Comment: For these reasons, this variant has been classified as Pathogenic. This variant has not been reported in the literature in individuals with ATP7B-related conditions. This variant is not present in population databases (ExAC no frequency). This sequence change creates a premature translational stop signal (p.Gln188Phefs*15) in the ATP7B gene. It is expected to result in an absent or disrupted protein product. Loss-of-function variants in ATP7B are known to be pathogenic (PMID: 10441329, 16283883).

Literature cited by the submitters: PubMed 10441329; PubMed 16283883.

NM_000053.4(ATP7B):c.560_561insCT (p.Gln188fs)

Gene: ATP7B (ATPase copper transporting beta; minus strand). Cytogenetic location: 13q14.3.
Variant type: Insertion.
Coding change: c.560_561insCT on transcript NM_000053.4 (MANE Select); coding-DNA positions 560 to 561, CT inserted.
Protein change: p.Gln188fs; shifts the reading frame from glutamine 188.
Molecular consequence: frameshift variant.
Genome position: GRCh38 VCF-style: chr13-51974659-A-AAG. GRCh37 (hg19) VCF-style: chr13-52548795-A-AAG.
Other names: c.560_561insCT, p.Gln188fs (NM_001005918.3, NM_001243182.2, NM_001330578.2 and 1 more transcripts); short protein forms Q188fs.
Identifiers: ClinVar variation 1436476 (VCV001436476.6), dbSNP rs2140096995, ClinGen allele CA2573149661.